The following is an entry in ClinVar:

NM_006389.5(HYOU1):c.2530G>C (p.Glu844Gln)

Gene: HYOU1 (hypoxia up-regulated 1; minus strand). Cytogenetic location: 11q23.3.
Variant type: single nucleotide variant.
Coding change: c.2530G>C on transcript NM_006389.5 (MANE Select); coding-DNA position 2530, G replaced by C.
Protein change: p.Glu844Gln; replaces glutamic acid 844 with glutamine.
Molecular consequence: missense variant.
Genome position (GRCh38, 1-based): chr11:119,047,799, C>G on the plus strand (G>C on the coding strand, the complement: HYOU1 is on the minus strand). VCF-style: chr11-119047799-C-G. GRCh37 (hg19) VCF-style: chr11-118918511-C-G.
Other names: c.2530G>C, p.Glu844Gln (NM_001130991.3, NM_001411041.1); short protein forms E844Q.
Identifiers: ClinVar variation 1717238 (VCV001717238.5), dbSNP rs2497107923, ClinGen allele CA382923392.

ClinVar aggregate classification (germline): Uncertain significance (1 of 4 stars; one submission).

Submission:

Labcorp Genetics (formerly Invitae), Labcorp
Classification: Uncertain significance. Last evaluated: 2022-08-21. Review status: criteria provided, single submitter. Criteria: Invitae Variant Classification Sherloc (09022015). Collection method: clinical testing. Allele origin: germline.
Comment: This variant has not been reported in the literature in individuals affected with HYOU1-related conditions. This sequence change replaces glutamic acid, which is acidic and polar, with glutamine, which is neutral and polar, at codon 844 of the HYOU1 protein (p.Glu844Gln). This variant is not present in population databases (gnomAD no frequency). Algorithms developed to predict the effect of missense changes on protein structure and function are either unavailable or do not agree on the potential impact of this missense change (SIFT: "Not Available"; PolyPhen-2: "Possibly Damaging"; Align-GVGD: "Not Available"). In summary, the available evidence is currently insufficient to determine the role of this variant in disease. Therefore, it has been classified as a Variant of Uncertain Significance.